The following is an entry in ClinVar:

NM_032383.5(HPS3):c.943C>G (p.Leu315Val)

Gene: HPS3 (HPS3 biogenesis of lysosomal organelles complex 2 subunit 1; plus strand). Cytogenetic location: 3q24.
Variant type: single nucleotide variant.
Coding change: c.943C>G on transcript NM_032383.5 (MANE Select); coding-DNA position 943, C replaced by G.
Protein change: p.Leu315Val; replaces leucine 315 with valine.
Molecular consequence: missense variant.
Genome position (GRCh38, 1-based): chr3:149,141,353, C>G. VCF-style: chr3-149141353-C-G. GRCh37 (hg19) VCF-style: chr3-148859140-C-G.
Other names: c.448C>G, p.Leu150Val (NM_001308258.2); c.943C>G (NM_032383.3); short protein forms L315V, L150V.
Identifiers: ClinVar variation 1973781 (VCV001973781.5), dbSNP rs536794577, ClinGen allele CA2659945.

ClinVar aggregate classification (germline): Uncertain significance. Review status: criteria provided, multiple submitters, no conflicts (2 of 4 stars). 2 submissions from 2 submitters: Uncertain significance (2). Last evaluated 2023-03-24.

Conditions:
Inborn genetic diseases. Identifiers: MedGen C0950123, MeSH D030342.

gnomAD v4.1: 2 of 1,613,872 alleles (0.00012%); highest among the groups gnomAD compares: Admixed American, 0.0033%; no homozygotes.

Submissions (2):

Ambry Genetics
Classification: Uncertain significance for Inborn genetic diseases. Last evaluated: 2023-03-24. Review status: criteria provided, single submitter. Criteria: Ambry Variant Classification Scheme 2023. Collection method: clinical testing. Allele origin: germline.

Labcorp Genetics (formerly Invitae), Labcorp
Classification: Uncertain significance. Last evaluated: 2022-08-07. Review status: criteria provided, single submitter. Criteria: Invitae Variant Classification Sherloc (09022015). Collection method: clinical testing. Allele origin: germline.
Comment: In summary, the available evidence is currently insufficient to determine the role of this variant in disease. Therefore, it has been classified as a Variant of Uncertain Significance. Algorithms developed to predict the effect of missense changes on protein structure and function are either unavailable or do not agree on the potential impact of this missense change (SIFT: "Tolerated"; PolyPhen-2: "Probably Damaging"; Align-GVGD: "Class C0"). This variant has not been reported in the literature in individuals affected with HPS3-related conditions. This variant is present in population databases (rs536794577, gnomAD 0.006%). This sequence change replaces leucine, which is neutral and non-polar, with valine, which is neutral and non-polar, at codon 315 of the HPS3 protein (p.Leu315Val).